The following is an entry in ClinVar:

ClinVar aggregate classification (germline): Uncertain significance (1 of 4 stars; one submission).

Conditions:
Neurodevelopmental disorder. Identifiers: MedGen C1535926, MeSH D065886, MONDO:0700092.

gnomAD v4.1: 2 of 1,592,646 alleles (0.00013%); highest among the groups gnomAD compares: Non-Finnish European, 0.000085%; no homozygotes.

Submission:

Victorian Clinical Genetics Services, Murdoch Childrens Research Institute
Classification: Uncertain significance for Neurodevelopmental disorder. Last evaluated: 2023-07-16. Review status: criteria provided, single submitter. Criteria: ACMG Guidelines, 2015. Collection method: clinical testing. Allele origin: germline. Inheritance: Autosomal dominant inheritance. Affected: yes.
Comment: Based on the classification scheme VCGS_Germline_v1.3.4, this variant is classified as VUS-3A. Following criteria are met: 0102 - Loss of function is a likely mechanism of disease in this gene and is associated with neurodevelopmental disorder, MPP5-related (MONDO#0700092; PMID: 33073849). (I) 0107 - This gene is associated with autosomal dominant disease. (I) 0211 - Canonical splice site variant without proven consequence on splicing (no functional evidence available). (SP) 0251 - This variant is heterozygous. (I) 0301 - Variant is absent from gnomAD (both v2 and v3). (SP) 0505 - Abnormal splicing is predicted by in silico tools and affected nucleotide is highly conserved. (SP) 0705 - No comparable splice site variants have previous evidence for pathogenicity. (I) 0807 - This variant has no previous evidence of pathogenicity. (I) 0905 - No published segregation evidence has been identified for this variant. (I) 1007 - No published functional evidence has been identified for this variant. (I) 1208 - Inheritance information for this variant is not currently available in this individual. (I) Legend: (SP) - Supporting pathogenic, (I) - Information, (SB) - Supporting benign

Literature cited by the submitters: PubMed 33073849.

NM_022474.4(PALS1):c.1537+1G>T

Genes: GPHN (gephyrin; plus strand), PALS1 (protein associated with LIN7 1, MAGUK p55 family member; plus strand). Cytogenetic location: 14q23.3.
Variant type: single nucleotide variant.
Coding change: c.1537+1G>T on transcript NM_022474.4 (MANE Select); the canonical splice donor site of the intron after coding-DNA position 1537, G replaced by T.
Molecular consequence: splice donor variant.
Genome position (GRCh38, 1-based): chr14:67,320,398, G>T. VCF-style: chr14-67320398-G-T. GRCh37 (hg19) VCF-style: chr14-67787115-G-T.
Other names: c.1435+1G>T (NM_001256550.2).
Identifiers: ClinVar variation 3376756 (VCV003376756.1).
Genomic context (GRCh38, chr14:67,320,398, plus strand): 5'-ATGAATTGCGTCAGAGGCTCATGAACAAAGAAAAGGACCGCTTTGCATCTGCAGTTCCTC[G>T]TAAGTTTGAATGCATTCCCATTTTCCTGTGCTTTTCAATTTACCAGCTCAGAACCTAACT-3'